The following is an entry in ClinVar:

NM_000322.5(PRPH2):c.587T>A (p.Ile196Asn)

Gene: PRPH2 (peripherin 2; minus strand). Cytogenetic location: 6p21.1.
Variant type: single nucleotide variant.
Coding change: c.587T>A on transcript NM_000322.5 (MANE Select); coding-DNA position 587, T replaced by A.
Protein change: p.Ile196Asn; replaces isoleucine 196 with asparagine.
Molecular consequence: missense variant.
Genome position (GRCh38, 1-based): chr6:42,704,606, A>T on the plus strand (T>A on the coding strand, the complement: PRPH2 is on the minus strand). VCF-style: chr6-42704606-A-T. GRCh37 (hg19) VCF-style: chr6-42672344-A-T.
Other names: short protein forms I196N.
Identifiers: ClinVar variation 429433 (VCV000429433.4), dbSNP rs1131691378, ClinGen allele CA364135864.

ClinVar aggregate classification (germline): Likely pathogenic. Review status: criteria provided, multiple submitters, no conflicts (2 of 4 stars). 3 submissions from 3 submitters: Likely pathogenic (2). 1 of the submissions does not count toward it. Last evaluated 2020-01-07.

Conditions:
Cone-rod dystrophy. Also called: Cone-rod degeneration; Cone/cone-rod dystrophy. Identifiers: Orphanet 1872, MedGen C4085590, MONDO:0015993, HP:0000548.

Submissions (3):

NEI Ophthalmic Genomics Laboratory, National Institutes of Health
Classification: Likely pathogenic for Cone-rod dystrophy. Last evaluated: 2020-01-07. Review status: criteria provided, single submitter. Criteria: ACMG Guidelines, 2015. Collection method: clinical testing. Allele origin: germline. Affected: yes.
Comment: The variant NM_000322.4:c.587T>A in the PRPH2 gene has not been reported to our knowledge . This variant is not listed in dbSNP and/or HGMD. It is absent in gnomAD browser. It is not enriched in the PRPH2 disease cohort. We invoked ACMG criteria [PM1, PM2, PP5, PP3] and classified NM_000322.4:c.587T>A in the PRPH2 gene as a Likely Pathogenic mutation.

GeneDx
Classification: Likely pathogenic. Last evaluated: 2015-08-18. Review status: criteria provided, single submitter. Criteria: GeneDx Variant Classification (06012015). Collection method: clinical testing. Allele origin: germline. Affected: yes.
Comment: The I196N variant has not been published as a pathogenic variant, nor has it been reported as a benign polymorphism to our knowledge. The I196N variant was not observed in approximately 6,500 individuals of European and African American ancestry in the NHLBI Exome Sequencing Project, indicating it is not a common benign variant in these populations. The I196N variant is a non-conservative amino acid substitution, which is likely to impact secondary protein structure as these residues differ in polarity, charge, size and/or other properties. This substitution occurs at a position where amino acids with similar properties to Isoleucine are tolerated across species. In silico analysis predicts this variant is probably damaging to the protein structure/function. Missense variants in nearby residues (D194E, R195G, R195L, R195Q, K197E, S198R, N199D, V200E) have been reported in the Human Gene Mutation Database in association with PRPH2-related disorders (Stenson et al., 2014), supporting the functional importance of this region of the protein. Therefore, based on the currently available information, the I196N variant is a candidate for a disease-causing variant although the possibility that it is a benign polymorphism cannot be completely excluded

Leiden Open Variation Database
Classification: Likely pathogenic. Last evaluated: 2021-04-06. Review status: no assertion criteria provided. Collection method: curation. Allele origin: germline. Affected: yes. Not counted in ClinVar's aggregate classification.
Comment: Curator: Global Variome, with Curator vacancy. Submitter to LOVD: Manon Peeters.

Literature cited by the submitters: PubMed 32531846 (cited by Leiden Open Variation Database).